The following is an entry in ClinVar:

ClinVar aggregate classification (germline): Uncertain significance (1 of 4 stars; one submission).

Conditions:
Early-infantile DEE. Also called: Early infantile epileptic encephalopathy; Early infantile epileptic encephalopathy with suppression bursts; Ohtahara syndrome. Identifiers: Orphanet 1934, MedGen C0393706, MONDO:0800491.

Allele frequency attached by ClinVar (database versions not stated): gnomAD exomes below 0.00001; ExAC 0.00001; gnomAD 0.00001; TOPMed 0.00001; ESP Exome Variant Server 0.00008.
gnomAD v4.1: 2 of 1,614,062 alleles (0.00012%); highest among the groups gnomAD compares: Non-Finnish European, 0.00017%; no homozygotes.

Submission:

Labcorp Genetics (formerly Invitae), Labcorp
Classification: Uncertain significance for Early-infantile DEE. Last evaluated: 2023-06-02. Review status: criteria provided, single submitter. Criteria: Invitae Variant Classification Sherloc (09022015). Collection method: clinical testing. Allele origin: germline.
Comment: In summary, the available evidence is currently insufficient to determine the role of this variant in disease. Therefore, it has been classified as a Variant of Uncertain Significance. Advanced modeling of protein sequence and biophysical properties (such as structural, functional, and spatial information, amino acid conservation, physicochemical variation, residue mobility, and thermodynamic stability) performed at Invitae indicates that this missense variant is not expected to disrupt SCN1A protein function. This variant has not been reported in the literature in individuals affected with SCN1A-related conditions. This variant is not present in population databases (gnomAD no frequency). This sequence change replaces threonine, which is neutral and polar, with isoleucine, which is neutral and non-polar, at codon 4 of the SCN1A protein (p.Thr4Ile).

NM_001165963.4(SCN1A):c.11C>T (p.Thr4Ile)

Gene: SCN1A (sodium voltage-gated channel alpha subunit 1; minus strand). Cytogenetic location: 2q24.3.
Variant type: single nucleotide variant.
Coding change: c.11C>T on transcript NM_001165963.4 (MANE Select); coding-DNA position 11, C replaced by T.
Protein change: p.Thr4Ile; replaces threonine 4 with isoleucine.
Molecular consequence: missense variant. On other transcripts: 5 prime UTR variant (1), non-coding transcript variant (1).
Genome position (GRCh38, 1-based): chr2:166,073,611, G>A on the plus strand (C>T on the coding strand, the complement: SCN1A is on the minus strand). VCF-style: chr2-166073611-G-A. GRCh37 (hg19) VCF-style: chr2-166930121-G-A.
Other names: c.11C>T, p.Thr4Ile (NM_001165964.3, NM_001202435.3, NM_001353948.2 and 10 more transcripts); c.-2415C>T (NM_001353961.2); short protein forms T4I.
Identifiers: ClinVar variation 2915869 (VCV002915869.3), dbSNP rs374317182, ClinGen allele CA1943575.